The following is an entry in ClinVar:

NM_020461.4(TUBGCP6):c.161C>G (p.Thr54Ser)

Gene: TUBGCP6 (tubulin gamma complex component 6; minus strand). Cytogenetic location: 22q13.33.
Variant type: single nucleotide variant.
Coding change: c.161C>G on transcript NM_020461.4 (MANE Select); coding-DNA position 161, C replaced by G.
Protein change: p.Thr54Ser; replaces threonine 54 with serine.
Molecular consequence: missense variant.
Genome position (GRCh38, 1-based): chr22:50,244,299, G>C on the plus strand (C>G on the coding strand, the complement: TUBGCP6 is on the minus strand). VCF-style: chr22-50244299-G-C. GRCh37 (hg19) VCF-style: chr22-50682728-G-C.
Other names: short protein forms T54S.
Identifiers: ClinVar variation 437163 (VCV000437163.18), dbSNP rs139974572, ClinGen allele CA10309108.

ClinVar aggregate classification (germline): Conflicting classifications of pathogenicity. Review status: criteria provided, conflicting classifications (1 of 4 stars). 5 submissions from 5 submitters: Uncertain significance (1); Likely benign (4). Last evaluated 2026-05-27.

Conditions:
Inborn genetic diseases. Identifiers: MedGen C0950123, MeSH D030342.

Allele frequency attached by ClinVar (database versions not stated): 1000 Genomes Project 0.00020; 1000 Genomes Project 30x 0.00031; gnomAD 0.00041; ExAC 0.00059; gnomAD exomes 0.00066; TOPMed 0.00067; ESP Exome Variant Server 0.00085.
gnomAD v4.1: 1,957 of 1,613,656 alleles (0.12%); highest among the groups gnomAD compares: Non-Finnish European, 0.16%; 3 homozygotes.

Submissions (5):

Women's Health and Genetics/Laboratory Corporation of America, LabCorp
Classification: Likely benign. Last evaluated: 2026-05-27. Review status: criteria provided, single submitter. Criteria: LabCorp Variant Classification Summary - May 2015. Collection method: clinical testing. Allele origin: germline.
Comment: Variant summary: TUBGCP6 c.161C>G (p.Thr54Ser) results in a conservative amino acid change in the encoded protein sequence. Algorithms developed to predict the effect of missense changes on protein structure and function all suggest that this variant is likely to be tolerated. The variant allele was found at a frequency of 0.00066 in 251224 control chromosomes in the gnomAD database, including 1 homozygote (gnomAD v2). A total of 3 homozygotes of this vairant was observed in the gnomAD v4. To our knowledge, no occurrence of c.161C>G in individuals affected with TUBGCP6-related conditions and no experimental evidence demonstrating its impact on protein function have been reported. ClinVar contains an entry for this variant (Variation ID: 437163). Based on the evidence outlined above, the variant was classified as likely benign.

Labcorp Genetics (formerly Invitae), Labcorp
Classification: Likely benign. Last evaluated: 2026-02-01. Review status: criteria provided, single submitter. Criteria: Invitae Variant Classification Sherloc (09022015). Collection method: clinical testing. Allele origin: germline.

Blueprint Genetics
Classification: Likely benign. Last evaluated: 2024-11-20. Review status: criteria provided, single submitter. Criteria: ACMG Guidelines, 2015. Collection method: clinical testing. Allele origin: germline.

Ambry Genetics
Classification: Likely benign for Inborn genetic diseases. Last evaluated: 2021-10-12. Review status: criteria provided, single submitter. Criteria: Ambry Variant Classification Scheme 2023. Collection method: clinical testing. Allele origin: germline.

Genetic Services Laboratory, University of Chicago
Classification: Uncertain significance. Last evaluated: 2015-12-18. Review status: criteria provided, single submitter. Criteria: ACMG Guidelines, 2015. Collection method: clinical testing. Allele origin: germline. Affected: no.